The following is an entry in ClinVar:

NM_000169.3(GLA):c.897C>G (p.Asp299Glu)

Genes: GLA (galactosidase alpha; minus strand), RPL36A-HNRNPH2 (RPL36A-HNRNPH2 readthrough; plus strand). Cytogenetic location: Xq22.1.
Variant type: single nucleotide variant.
Coding change: c.897C>G on transcript NM_000169.3 (MANE Select); coding-DNA position 897, C replaced by G.
Protein change: p.Asp299Glu; replaces aspartic acid 299 with glutamic acid.
Molecular consequence: missense variant. On other transcripts: non-coding transcript variant (3), intron variant (2).
Genome position (GRCh38, 1-based): chrX:101,398,472, G>C on the plus strand (C>G on the coding strand, the complement: GLA is on the minus strand). VCF-style: chrX-101398472-G-C. GRCh37 (hg19) VCF-style: chrX-100653460-G-C.
Other names: c.1020C>G, p.Asp340Glu (NM_001406747.1); c.897C>G, p.Asp299Glu (NM_001406748.1); c.300+3015G>C (NM_001199973.2); c.177+6650G>C (NM_001199974.2); short protein forms D299E, D340E.
Identifiers: ClinVar variation 4087569 (VCV004087569.2).

ClinVar aggregate classification (germline): Uncertain significance (1 of 4 stars; one submission).

Conditions:
Fabry disease. Also called: ALPHA-GALACTOSIDASE A DEFICIENCY; ANDERSON-FABRY DISEASE; CERAMIDE TRIHEXOSIDASE DEFICIENCY; GLA DEFICIENCY; HEREDITARY DYSTOPIC LIPIDOSIS; Angiokeratoma corporis diffusum. Identifiers: Orphanet 324, MedGen C0002986, MONDO:0010526, OMIM 301500, HP:0001071. Disease mechanism: Fabry disease is due to inactivating mutations in the X-linked GLA gene resulting in deficiency of the enzyme Alpha Galactosidase-A., loss of function.

Submission:

Genomenon, Inc
Classification: Uncertain significance for Fabry disease. Last evaluated: 2026-09-08. Review status: criteria provided, single submitter. Criteria: Genomenon Sequence Variant Interpretation Standards - Updated. Collection method: curation. Allele origin: germline. Affected: yes.
Comment: GLA p.Asp299Glu (c.897C>G) is a missense variant that changes the amino acid at codon 299 from Aspartic acid to Glutamic acid. This variant has been observed in at least one proband with clinical features consistent with Fabry disease (PMID:17206462). Functional or patient cell studies have been reported (PMID:27657681). It is absent or not present at a significant frequency in gnomAD. In silico models predict that this variant is possibly or probably damaging. In conclusion, we classify GLA p.Asp299Glu (c.897C>G) as a variant of uncertain significance.

Literature cited by the submitters: PubMed 17206462; PubMed 27657681.